The following is an entry in ClinVar:

NM_003640.5(ELP1):c.641del (p.Pro214fs)

Gene: ELP1 (elongator acetyltransferase complex subunit 1; minus strand). Cytogenetic location: 9q31.3.
Variant type: Deletion.
Coding change: c.641del on transcript NM_003640.5 (MANE Select); coding-DNA position 641, one base deleted (C; older notation c.641delC).
Protein change: p.Pro214fs; shifts the reading frame from proline 214.
Molecular consequence: frameshift variant. On other transcripts: intron variant (1).
Genome position (GRCh38, 1-based): chr9:108,919,261, G deleted on the plus strand (C on the coding strand, the reverse complement: ELP1 is on the minus strand); the first of 3 consecutive G bases (chr9:108,919,261-108,919,263); deleting any one gives the same sequence. VCF-style (leftmost placement, unchanged base first): chr9-108919260-TG-T. GRCh37 (hg19) VCF-style: chr9-111681540-TG-T.
Other names: c.299del, p.Pro100fs (NM_001318360.2); c.-307-1591del (NM_001330749.2); c.641del (NM_003640.3, NM_003640.4, LRG_251t1); c.641delC (NM_003640.5); short protein forms P100fs, P214fs.
Identifiers: ClinVar variation 553108 (VCV000553108.24), dbSNP rs759412460, ClinGen allele CA5175289.

ClinVar aggregate classification (germline): Conflicting classifications of pathogenicity. Review status: criteria provided, conflicting classifications (1 of 4 stars). 13 submissions from 12 submitters: Pathogenic (3); Likely pathogenic (8); Uncertain significance (1). 1 of the submissions does not count toward it. Last evaluated 2026-09-10.

Conditions:
ELP1-Associated Medulloblastoma. Identifiers: MedGen C5670652.
Medulloblastoma (MDB). Also called: MEDULLOBLASTOMA PREDISPOSITION SYNDROME; Medulloblastoma, somatic. Identifiers: Orphanet 616, MedGen C0025149, MeSH D008527, MONDO:0007959, OMIM 155255, HP:0002885.
Familial dysautonomia. Also called: FD; HSAN III. Identifiers: Orphanet 1764, MedGen C0013364, MONDO:0009131, OMIM 223900. Disease mechanism: loss of function.
ELP1-related disorder. Also called: ELP1-related condition.

Submissions (13):

PreventionGenetics, part of Exact Sciences
Classification: Likely pathogenic for ELP1-related condition. Last evaluated: 2026-09-10. Review status: criteria provided, single submitter. Criteria: ACMG Guidelines, 2015. Collection method: clinical testing. Allele origin: germline.
Comment: The ELP1 c.641delC variant is predicted to result in a frameshift and premature protein termination (p.Pro214Glnfs*39). This variant has been reported in the heterozygous state in individuals with medulloblastoma (Waszak et al. 2020. PubMed ID: 32296180; Guerrini-Rousseau et al. 2024. PubMed ID: 38962751). It is reported in 0.034% of alleles in individuals of Latino descent in gnomAD. Frameshift variants in ELP1 are expected to be pathogenic. This variant is interpreted as likely pathogenic.

GeneDx
Classification: Uncertain significance. Last evaluated: 2026-03-11. Review status: criteria provided, single submitter. Criteria: GeneDx Variant Classification Process June 2021. Collection method: clinical testing. Allele origin: germline.
Comment: Reported as a germline variant in patients with medulloblastoma (PMID: 32296180, 39184053); Frameshift variant predicted to result in protein truncation or nonsense mediated decay in a gene for which loss of function is a known mechanism of disease; This variant is associated with the following publications: (PMID: 31589614, 39184053, 32296180)

Labcorp Genetics (formerly Invitae), Labcorp
Classification: Pathogenic. Last evaluated: 2026-01-31. Review status: criteria provided, single submitter. Criteria: Invitae Variant Classification Sherloc (09022015). Collection method: clinical testing. Allele origin: germline.
Comment: This sequence change creates a premature translational stop signal (p.Pro214Glnfs*39) in the ELP1 gene. It is expected to result in an absent or disrupted protein product. Loss-of-function variants in ELP1 are known to be pathogenic (PMID: 18303054, 24173031). The frequency data for this variant in the population databases is considered unreliable, as metrics indicate poor data quality at this position in the gnomAD database. This variant has not been reported in the literature in individuals affected with ELP1-related conditions. ClinVar contains an entry for this variant (Variation ID: 553108). For these reasons, this variant has been classified as Pathogenic.

Clinical Genetics Laboratory, Skane University Hospital Lund
Classification: Likely pathogenic for Medulloblastoma. Last evaluated: 2026-01-21. Review status: criteria provided, single submitter. Criteria: ACMG Guidelines, 2015. Collection method: clinical testing. Allele origin: germline. Inheritance: Autosomal dominant inheritance. Affected: yes.
Comment: ACMG-criteria: PVS1, PS4_moderate

Institute for Genomic Medicine (IGM) Clinical Laboratory, Nationwide Children's Hospital
Classification: Likely pathogenic for ELP1-Associated Medulloblastoma. Last evaluated: 2025-10-20. Review status: criteria provided, single submitter. Criteria: ACMG Guidelines, 2015. Collection method: clinical testing. Allele origin: germline.
Comment: This variant is predicted to result in loss of function through nonsense-mediated decay of the encoded transcript or premature truncation of the encoded protein in a gene in which loss of function is a known mechanism of disease (ACMG/AMP: PVS1; PMID:32296180). This variant has been reported at an elevated frequency in affected individuals/in multiple affected individuals in the literature (ACMG/AMP: PS4_Moderate; PMID:32296180).

Women's Health and Genetics/Laboratory Corporation of America, LabCorp
Classification: Pathogenic for Familial dysautonomia. Last evaluated: 2025-05-27. Review status: criteria provided, single submitter. Criteria: LabCorp Variant Classification Summary - May 2015. Collection method: clinical testing. Allele origin: germline.
Comment: Variant summary: ELP1 c.641delC (p.Pro214GlnfsX39) results in a premature termination codon, predicted to cause a truncation of the encoded protein or absence of the protein due to nonsense mediated decay, which are commonly known mechanisms for disease. The variant allele was found at a frequency of 5e-05 in 282744 control chromosomes (gnomAD). This frequency is not significantly higher than estimated for a pathogenic variant in ELP1 causing Familial Dysautonomia (5e-05 vs 0.0018), allowing no conclusion about variant significance. To our knowledge, no occurrence of c.641delC in individuals affected with Familial Dysautonomia and no experimental evidence demonstrating its impact on protein function has been reported. ClinVar contains an entry for this variant (Variation ID: 553108). Based on the evidence outlined above, the variant was classified as pathogenic.

Dasa
Classification: Likely pathogenic. Last evaluated: 2025-02-27. Review status: criteria provided, single submitter. Criteria: DASA Assertion Criteria. Collection method: clinical testing. Allele origin: germline.
Comment: NM_003640.5(ELP1):c.641del (p.Pro214Glnfs*39) introduces a premature termination codon predicted to result in loss of normal protein function. Loss-of-function is an established mechanism of disease for this gene. The variant is present at low frequency in population datasets. Based on the available data, this variant is classified as likely pathogenic.

Fulgent Genetics
Classification: Likely pathogenic for Medulloblastoma; Familial dysautonomia. Last evaluated: 2024-01-23. Review status: criteria provided, single submitter. Criteria: ACMG Guidelines, 2015. Collection method: clinical testing. Allele origin: germline.

St. Jude Molecular Pathology, St. Jude Children's Research Hospital
Classification: Likely pathogenic for Medulloblastoma. Last evaluated: 2022-08-02. Review status: criteria provided, single submitter. Criteria: St. Jude Assertion Criteria 2020. Collection method: clinical testing. Allele origin: germline. Affected: yes.
Comment: The ELP1 c.641del (p.Pro214GlnfsTer39) change causes a frameshift and the creation of a premature stop codon. This change is predicted to cause protein truncation or absence of the protein due to nonsense mediated decay. This variant has been reported in at least four pediatric patients with the sonic hedgehog (SHH) subtype of medulloblastoma (PMID: 32296180, internal data). This variant has a maximum subpopulation frequency of 0.034% in gnomAD v2.1.1. Loss-of-function variants in ELP1 are known to be pathogenic (PMID: 18303054, 32296180). In summary, this variant meets criteria to be classified as likely pathogenic.

Fulgent Genetics
Classification: Likely pathogenic for Familial dysautonomia. Last evaluated: 2021-06-30. Review status: criteria provided, single submitter. Criteria: ACMG Guidelines, 2015. Collection method: clinical testing. Allele origin: unknown.
Comment: This variant has been detected in individual(s) who were sent for testing of Renasight - kidney gene panel.

Ambry Genetics
Classification: Pathogenic. Last evaluated: 2019-08-29. Review status: criteria provided, single submitter. Criteria: Ambry Variant Classification Scheme 2023. Collection method: clinical testing. Allele origin: germline.
Comment: The c.641delC variant, located in coding exon 6 of the IKBKAP gene, results from a deletion of one nucleotide at nucleotide position 641, causing a translational frameshift with a predicted alternate stop codon (p.P214Qfs*39). This alteration is expected to result in loss of function by premature protein truncation or nonsense-mediated mRNA decay. As such, this alteration is interpreted as a disease-causing mutation.

GeneID Lab - Advanced Molecular Diagnostics
Classification: Likely pathogenic for Familial dysautonomia. Last evaluated: 2018-03-10. Review status: criteria provided, single submitter. Criteria: ACMG Guidelines, 2015. Collection method: clinical testing. Allele origin: germline. Affected: no. Observed: 1 variant allele.
Comment: This variant deletes one nucleotide resulting in an amino acid alteration, replacing a proline (P) with a glutamine (Q) at codon 214 creating a premature stop signal in the new reading frame noted as p.P214Qfs*39. The substitution is predicted to result in a non-functional ELP1 protein, either through protein truncation or nonsense-mediated mRNA decay. This mutation is considered a non-tolerated amino acid change based on in silico prediction algorithms (disease causing), and it has not been reported in the Clinical Variant Database (NCBI National Library of Medicine, NIH) but it has been described in 7 alleles out of 119208, the majority (6) belonging to heterozygous carries of Latino origin. Based on these findings and the limited literature regarding this substitution we consider it as a likely pathogenic variant.

Counsyl
Classification: Likely pathogenic for Familial dysautonomia. Last evaluated: 2017-07-27. Review status: no assertion criteria provided. Collection method: clinical testing. Allele origin: unknown. Not counted in ClinVar's aggregate classification.

Literature cited by the submitters: PubMed 18303054 (cited by Labcorp Genetics (formerly Invitae), Labcorp); PubMed 24173031 (cited by Labcorp Genetics (formerly Invitae), Labcorp); PubMed 32296180 (cited by Institute for Genomic Medicine (IGM) Clinical Laboratory, Nationwide Children's Hospital).